The following is an entry in ClinVar:

ClinVar aggregate classification (germline): Benign (1 of 4 stars; one submission).

Allele frequency attached by ClinVar (database versions not stated): gnomAD exomes 0.00318; gnomAD 0.02588 and 0.02781; 1000 Genomes Project 30x 0.03326; TOPMed 0.02891; 1000 Genomes Project 0.03175.

Submission:

GeneDx
Classification: Benign. Last evaluated: 2018-06-16. Review status: criteria provided, single submitter. Criteria: GeneDx Variant Classification (06012015). Collection method: clinical testing. Allele origin: germline. Affected: yes.
Comment: This variant is considered likely benign or benign based on one or more of the following criteria: it is a conservative change, it occurs at a poorly conserved position in the protein, it is predicted to be benign by multiple in silico algorithms, and/or has population frequency not consistent with disease.

NM_001232.3(CASQ2):c.-380A>G

Gene: CASQ2 (calsequestrin 2; minus strand). Cytogenetic location: 1p13.1.
Variant type: single nucleotide variant.
Coding change: c.-380A>G on transcript NM_001232.3; 380 bases upstream of the start codon, A replaced by G.
Genome position (GRCh38, 1-based): chr1:115,768,921, T>C on the plus strand (A>G on the coding strand, the complement: CASQ2 is on the minus strand). VCF-style: chr1-115768921-T-C. GRCh37 (hg19) VCF-style: chr1-116311542-T-C.
Identifiers: ClinVar variation 674218 (VCV000674218.3), dbSNP rs60107062, ClinGen allele CA29625632.
Genomic context (GRCh38, chr1:115,768,921, plus strand): 5'-TCTCATTAGGAACTCCATTTTTAGGATGCAGTTGTTTCAGGCTAAAAATAAATCATGCAA[T>C]GAATAAAAAAGTTAGATACGACACTGTAGAGGGATTCGCTGATACAGTCTGTCCGACTGG-3'